The following is an entry in ClinVar:

NM_022489.4(INF2):c.2860G>A (p.Gly954Arg)

Gene: INF2 (inverted formin 2; plus strand). Cytogenetic location: 14q32.33.
Variant type: single nucleotide variant.
Coding change: c.2860G>A on transcript NM_022489.4 (MANE Select); coding-DNA position 2860, G replaced by A.
Protein change: p.Gly954Arg; replaces glycine 954 with arginine.
Molecular consequence: missense variant. On other transcripts: non-coding transcript variant (1).
Genome position (GRCh38, 1-based): chr14:104,713,291, G>A. VCF-style: chr14-104713291-G-A. GRCh37 (hg19) VCF-style: chr14-105179628-G-A.
Other names: c.2860G>A, p.Gly954Arg (NM_001031714.4, NM_001426862.1, NM_001426863.1 and 2 more transcripts); short protein forms G954R.
Identifiers: ClinVar variation 3389769 (VCV003389769.14).

ClinVar aggregate classification (germline): Uncertain significance (1 of 4 stars; one submission).

gnomAD v4.1: 1 of 1,550,406 alleles (0.000064%); highest among the groups gnomAD compares: Admixed American, 0.002%; no homozygotes.

Submission:

CeGaT Center for Human Genetics Tuebingen
Classification: Uncertain significance. Last evaluated: 2024-09-01. Review status: criteria provided, single submitter. Criteria: CeGaT Center For Human Genetics Tuebingen Variant Classification Criteria Version 2. Collection method: clinical testing. Allele origin: germline. Affected: yes. Observed: 1 variant allele.
Comment: INF2: PM2